The following is an entry in ClinVar:

NM_006302.3(MOGS):c.2313T>C (p.His771=)

Gene: MOGS (mannosyl-oligosaccharide glucosidase; minus strand). Cytogenetic location: 2p13.1.
Variant type: single nucleotide variant.
Coding change: c.2313T>C on transcript NM_006302.3 (MANE Select); coding-DNA position 2313, T replaced by C.
Protein change: p.His771=; no amino-acid change (histidine 771 retained).
Molecular consequence: synonymous variant.
Genome position (GRCh38, 1-based): chr2:74,461,476, A>G on the plus strand (T>C on the coding strand, the complement: MOGS is on the minus strand). VCF-style: chr2-74461476-A-G. GRCh37 (hg19) VCF-style: chr2-74688603-A-G.
Other names: c.1995T>C, p.His665= (NM_001146158.2).
Identifiers: ClinVar variation 3054824 (VCV003054824.2), dbSNP rs753884285, ClinGen allele CA1724615.

ClinVar aggregate classification (germline): Likely benign (0 of 4 stars; one submission).

Conditions:
MOGS-related disorder. Also called: MOGS-related condition.

Allele frequency attached by ClinVar (database versions not stated): gnomAD exomes below 0.00001; ExAC 0.00001; TOPMed 0.00001.
gnomAD v4.1: 1 of 1,614,174 alleles (0.000062%); highest among the groups gnomAD compares: Non-Finnish European, 0.000085%; no homozygotes.

Submission:

PreventionGenetics, part of Exact Sciences
Classification: Likely benign for MOGS-related condition. Last evaluated: 2022-06-20. Review status: no assertion criteria provided. Collection method: clinical testing. Allele origin: germline.
Comment: This variant is classified as likely benign based on ACMG/AMP sequence variant interpretation guidelines (Richards et al. 2015 PMID: 25741868, with internal and published modifications).